The following is an entry in ClinVar:

ClinVar aggregate classification (germline): Uncertain significance (1 of 4 stars; one submission).

Allele frequency attached by ClinVar (database versions not stated): gnomAD exomes 0.00001; ExAC 0.00004.
gnomAD v4.1: 17 of 1,613,938 alleles (0.0011%); highest among the groups gnomAD compares: South Asian, 0.019%; no homozygotes.

Submission:

Labcorp Genetics (formerly Invitae), Labcorp
Classification: Uncertain significance. Last evaluated: 2022-07-07. Review status: criteria provided, single submitter. Criteria: Invitae Variant Classification Sherloc (09022015). Collection method: clinical testing. Allele origin: germline.
Comment: In summary, the available evidence is currently insufficient to determine the role of this variant in disease. Therefore, it has been classified as a Variant of Uncertain Significance. Algorithms developed to predict the effect of missense changes on protein structure and function (SIFT, PolyPhen-2, Align-GVGD) all suggest that this variant is likely to be tolerated. This variant has not been reported in the literature in individuals affected with ENPP1-related conditions. This variant is present in population databases (rs768971506, gnomAD 0.02%). This sequence change replaces arginine, which is basic and polar, with serine, which is neutral and polar, at codon 661 of the ENPP1 protein (p.Arg661Ser).

NM_006208.3(ENPP1):c.1983A>T (p.Arg661Ser)

Gene: ENPP1 (ectonucleotide pyrophosphatase/phosphodiesterase 1; plus strand). Cytogenetic location: 6q23.2.
Variant type: single nucleotide variant.
Coding change: c.1983A>T on transcript NM_006208.3 (MANE Select); coding-DNA position 1983, A replaced by T.
Protein change: p.Arg661Ser; replaces arginine 661 with serine.
Molecular consequence: missense variant.
Genome position (GRCh38, 1-based): chr6:131,879,917, A>T. VCF-style: chr6-131879917-A-T. GRCh37 (hg19) VCF-style: chr6-132201057-A-T.
Other names: short protein forms R661S.
Identifiers: ClinVar variation 2014847 (VCV002014847.4), dbSNP rs768971506, ClinGen allele CA4002393.